The following is an entry in ClinVar:

NM_005422.4(TECTA):c.3284G>T (p.Arg1095Leu)

Genes: TBCEL-TECTA (TBCEL-TECTA readthrough; plus strand), TECTA (tectorin alpha; plus strand). Cytogenetic location: 11q23.3.
Variant type: single nucleotide variant.
Coding change: c.3284G>T on transcript NM_005422.4 (MANE Select); coding-DNA position 3284, G replaced by T.
Protein change: p.Arg1095Leu; replaces arginine 1095 with leucine.
Molecular consequence: missense variant.
Genome position (GRCh38, 1-based): chr11:121,137,763, G>T. VCF-style: chr11-121137763-G-T. GRCh37 (hg19) VCF-style: chr11-121008472-G-T.
Other names: c.4241G>T, p.Arg1414Leu (NM_001378761.1); short protein forms R1095L, R1414L.
Identifiers: ClinVar variation 4540238 (VCV004540238.1).
Genomic context (GRCh38, chr11:121,137,763, plus strand): 5'-TTCCCTGCAAGGATGATGAGTACTGCATGGAGGAAGGTGGCCTGTACTACTGCCAAGCCC[G>T]CACCGACGCCTCCTGCATCGTCTCAGGCTACGGCCACTACCTCACCTTTGATGGCTTCCC-3'
Protein context (NP_005413.2, residues 1085-1105): EEGGLYYCQA[Arg1095Leu]TDASCIVSGY

ClinVar aggregate classification (germline): Uncertain significance (1 of 4 stars; one submission).

gnomAD v4.1: 10 of 1,613,982 alleles (0.00062%); highest among the groups gnomAD compares: African/African-American, 0.004%; no homozygotes.

Submission:

GeneDx
Classification: Uncertain significance. Last evaluated: 2025-06-29. Review status: criteria provided, single submitter. Criteria: GeneDx Variant Classification Process June 2021. Collection method: clinical testing. Allele origin: germline. Affected: yes.
Comment: In silico analysis suggests that this missense variant does not alter protein structure/function; Has not been previously published as pathogenic or benign to our knowledge; This variant is associated with the following publications: (PMID: 21520338, 31554319, 9590290)